The following is an entry in ClinVar:

NM_001927.4(DES):c.1180G>T (p.Val394Leu)

Gene: DES (desmin; plus strand). Cytogenetic location: 2q35.
Variant type: single nucleotide variant.
Coding change: c.1180G>T on transcript NM_001927.4 (MANE Select); coding-DNA position 1180, G replaced by T.
Protein change: p.Val394Leu; replaces valine 394 with leucine.
Molecular consequence: missense variant.
Genome position (GRCh38, 1-based): chr2:219,421,496, G>T. VCF-style: chr2-219421496-G-T. GRCh37 (hg19) VCF-style: chr2-220286218-G-T.
Other names: c.1180G>T (LRG_380t1); short protein forms V394L.
Identifiers: ClinVar variation 572563 (VCV000572563.9), dbSNP rs776786349, ClinGen allele CA350694836.

ClinVar aggregate classification (germline): Uncertain significance (1 of 4 stars; one submission).

Conditions:
Desmin-related myofibrillar myopathy (MFM1). Also called: Desminopathy; MYOFIBRILLAR MYOPATHY WITH ARRHYTHMOGENIC RIGHT VENTRICULAR CARDIOMYOPATHY; DESMIN-RELATED MYOPATHY WITH ARRHYTHMOGENIC RIGHT VENTRICULAR CARDIOMYOPATHY; Desmin related myopathy (former name); Desmin storage myopathy (former name); Myofibrillar myopathy 1. Identifiers: Orphanet 363543, Orphanet 98909, MedGen C1832370, MONDO:0011076, OMIM 601419.

Submission:

Labcorp Genetics (formerly Invitae), Labcorp
Classification: Uncertain significance for Desmin-related myofibrillar myopathy. Last evaluated: 2025-06-03. Review status: criteria provided, single submitter. Criteria: Invitae Variant Classification Sherloc (09022015). Collection method: clinical testing. Allele origin: germline.
Comment: This sequence change replaces valine, which is neutral and non-polar, with leucine, which is neutral and non-polar, at codon 394 of the DES protein (p.Val394Leu). This variant is not present in population databases (gnomAD no frequency). This variant has not been reported in the literature in individuals affected with DES-related conditions. ClinVar contains an entry for this variant (Variation ID: 572563). Invitae Evidence Modeling of protein sequence and biophysical properties (such as structural, functional, and spatial information, amino acid conservation, physicochemical variation, residue mobility, and thermodynamic stability) has been performed for this missense variant. However, the output from this modeling did not meet the statistical confidence thresholds required to predict the impact of this variant on DES protein function. In summary, the available evidence is currently insufficient to determine the role of this variant in disease. Therefore, it has been classified as a Variant of Uncertain Significance.